The following is an entry in ClinVar:

NM_032634.4(PIGO):c.2114G>C (p.Arg705Pro)

Gene: PIGO (phosphatidylinositol glycan anchor biosynthesis class O; minus strand). Cytogenetic location: 9p13.3.
Variant type: single nucleotide variant.
Coding change: c.2114G>C on transcript NM_032634.4 (MANE Select); coding-DNA position 2114, G replaced by C.
Protein change: p.Arg705Pro; replaces arginine 705 with proline.
Molecular consequence: missense variant. On other transcripts: intron variant (2).
Genome position (GRCh38, 1-based): chr9:35,091,773, C>G on the plus strand (G>C on the coding strand, the complement: PIGO is on the minus strand). VCF-style: chr9-35091773-C-G. GRCh37 (hg19) VCF-style: chr9-35091770-C-G.
Other names: c.1345-482G>C (NM_152850.4, NM_001201484.2); short protein forms R705P.
Identifiers: ClinVar variation 1025353 (VCV001025353.8), dbSNP rs761836966, ClinGen allele CA373320754.

ClinVar aggregate classification (germline): Uncertain significance (1 of 4 stars; one submission).

Conditions:
Hyperphosphatasia with impaired intellectual development syndrome 2. Also called: Hyperphosphatasia with intellectual disability syndrome 2; GLYCOSYLPHOSPHATIDYLINOSITOL BIOSYNTHESIS DEFECT 6. Identifiers: Orphanet 247262, MedGen C3553637, MONDO:0013882, OMIM 614749.

gnomAD v4.1: 1 of 1,612,330 alleles (0.000062%); highest among the groups gnomAD compares: African/African-American, 0.0013%; no homozygotes.

Submission:

Labcorp Genetics (formerly Invitae), Labcorp
Classification: Uncertain significance for Hyperphosphatasia with impaired intellectual development syndrome 2. Last evaluated: 2022-02-03. Review status: criteria provided, single submitter. Criteria: Invitae Variant Classification Sherloc (09022015). Collection method: clinical testing. Allele origin: germline.
Comment: In summary, the available evidence is currently insufficient to determine the role of this variant in disease. Therefore, it has been classified as a Variant of Uncertain Significance. Algorithms developed to predict the effect of missense changes on protein structure and function are either unavailable or do not agree on the potential impact of this missense change (SIFT: "Deleterious"; PolyPhen-2: "Probably Damaging"; Align-GVGD: "Class C0"). ClinVar contains an entry for this variant (Variation ID: 1025353). This variant has not been reported in the literature in individuals affected with PIGO-related conditions. This variant is not present in population databases (gnomAD no frequency). This sequence change replaces arginine, which is basic and polar, with proline, which is neutral and non-polar, at codon 705 of the PIGO protein (p.Arg705Pro).